The following is an entry in ClinVar:

ClinVar aggregate classification (germline): Uncertain significance. Review status: criteria provided, multiple submitters, no conflicts (2 of 4 stars). 3 submissions from 3 submitters: Uncertain significance (3). Last evaluated 2025-12-30.

Conditions:
Inborn genetic diseases. Identifiers: MedGen C0950123, MeSH D030342.

Allele frequency attached by ClinVar (database versions not stated): ExAC 0.00001; gnomAD 0.00001; TOPMed 0.00001; gnomAD exomes 0.00003.
gnomAD v4.1: 50 of 1,613,940 alleles (0.0031%); highest among the groups gnomAD compares: Non-Finnish European, 0.0038%; no homozygotes.

Submissions (3):

Labcorp Genetics (formerly Invitae), Labcorp
Classification: Uncertain significance. Last evaluated: 2025-12-30. Review status: criteria provided, single submitter. Criteria: Invitae Variant Classification Sherloc (09022015). Collection method: clinical testing. Allele origin: germline.
Comment: This sequence change replaces asparagine, which is neutral and polar, with lysine, which is basic and polar, at codon 862 of the FLNB protein (p.Asn862Lys). This variant is present in population databases (rs750635182, gnomAD 0.0009%). This variant has not been reported in the literature in individuals affected with FLNB-related conditions. ClinVar contains an entry for this variant (Variation ID: 596209). Invitae Evidence Modeling of protein sequence and biophysical properties (such as structural, functional, and spatial information, amino acid conservation, physicochemical variation, residue mobility, and thermodynamic stability) indicates that this missense variant is not expected to disrupt FLNB protein function with a negative predictive value of 95%. In summary, the available evidence is currently insufficient to determine the role of this variant in disease. Therefore, it has been classified as a Variant of Uncertain Significance.

Ambry Genetics
Classification: Uncertain significance for Inborn genetic diseases. Last evaluated: 2025-06-19. Review status: criteria provided, single submitter. Criteria: Ambry Variant Classification Scheme 2023. Collection method: clinical testing. Allele origin: germline.

Eurofins Ntd Llc (ga)
Classification: Uncertain significance. Last evaluated: 2018-02-19. Review status: criteria provided, single submitter. Criteria: EGL ClinVar v180209 classification definitions. Collection method: clinical testing. Allele origin: germline. Observed: 1 variant allele, 1 heterozygote.

NM_001457.4(FLNB):c.2586T>G (p.Asn862Lys)

Gene: FLNB (filamin B; plus strand). Cytogenetic location: 3p14.3.
Variant type: single nucleotide variant.
Coding change: c.2586T>G on transcript NM_001457.4 (MANE Select); coding-DNA position 2586, T replaced by G.
Protein change: p.Asn862Lys; replaces asparagine 862 with lysine.
Molecular consequence: missense variant.
Genome position (GRCh38, 1-based): chr3:58,112,159, T>G. VCF-style: chr3-58112159-T-G. GRCh37 (hg19) VCF-style: chr3-58097886-T-G.
Other names: c.2586T>G, p.Asn862Lys (NM_001164317.2, NM_001164318.2, NM_001164319.2); c.2586T>G (NM_001457.3); short protein forms N862K.
Identifiers: ClinVar variation 596209 (VCV000596209.13), dbSNP rs750635182, ClinGen allele CA2468177.